The following is an entry in ClinVar:

ClinVar aggregate classification (germline): Uncertain significance (1 of 4 stars; one submission).

Conditions:
Anterior segment dysgenesis 7 (ASGD7). Also called: Anterior segment dysgenesis 7, with sclerocornea; SCLEROCORNEA WITH OTHER OCULAR ANOMALIES. Identifiers: Orphanet 289499, MedGen C3151617, MONDO:0010015, OMIM 269400.

gnomAD v4.1: 2 of 1,611,684 alleles (0.00012%); highest among the groups gnomAD compares: Non-Finnish European, 0.00017%; no homozygotes.

Submission:

Labcorp Genetics (formerly Invitae), Labcorp
Classification: Uncertain significance for Anterior segment dysgenesis 7. Last evaluated: 2022-08-05. Review status: criteria provided, single submitter. Criteria: Invitae Variant Classification Sherloc (09022015). Collection method: clinical testing. Allele origin: germline.
Comment: This variant has not been reported in the literature in individuals affected with PXDN-related conditions. In summary, the available evidence is currently insufficient to determine the role of this variant in disease. Therefore, it has been classified as a Variant of Uncertain Significance. Algorithms developed to predict the effect of missense changes on protein structure and function are either unavailable or do not agree on the potential impact of this missense change (SIFT: "Tolerated"; PolyPhen-2: "Possibly Damaging"; Align-GVGD: "Class C0"). This variant is not present in population databases (gnomAD no frequency). This sequence change replaces phenylalanine, which is neutral and non-polar, with leucine, which is neutral and non-polar, at codon 1122 of the PXDN protein (p.Phe1122Leu).

NM_012293.3(PXDN):c.3366C>G (p.Phe1122Leu)

Gene: PXDN (peroxidasin; minus strand). Cytogenetic location: 2p25.3.
Variant type: single nucleotide variant.
Coding change: c.3366C>G on transcript NM_012293.3 (MANE Select); coding-DNA position 3366, C replaced by G.
Protein change: p.Phe1122Leu; replaces phenylalanine 1122 with leucine.
Molecular consequence: missense variant.
Genome position (GRCh38, 1-based): chr2:1,648,414, G>C on the plus strand (C>G on the coding strand, the complement: PXDN is on the minus strand). VCF-style: chr2-1648414-G-C. GRCh37 (hg19) VCF-style: chr2-1652186-G-C.
Other names: short protein forms F1122L.
Identifiers: ClinVar variation 1715065 (VCV001715065.5), dbSNP rs746199083, ClinGen allele CA345703009.
Genomic context (GRCh38, chr2:1,648,414, plus strand): 5'-CCGCTCCGTGAGCTCCGTGTTCAGCAGCTGCGAGGGCACACGCATTTTCCCCGCCACCCC[G>C]AACAGCCCCCTGAGAAGCGGATCGATGCCGCCCTCATTCACAATCCGGAAGGGAGAGAAG-3'
Protein context (NP_036425.1, residues 1112-1132): GGIDPLLRGL[Phe1122Leu]GVAGKMRVPS